The following is an entry in ClinVar:

ClinVar aggregate classification (germline): Likely pathogenic (1 of 4 stars; one submission).

Conditions:
Nephrotic syndrome, IIa 26. Also called: Nephrotic syndrome, type 26. Identifiers: MedGen C5774221, MONDO:0031061, OMIM 620049.

Submission:

Molecular Diagnostics and Clinical Genetics Unit, Hospital Universitari Son Espases/IbSalut
Classification: Likely pathogenic for Nephrotic syndrome, IIa 26. Last evaluated: 2023-03-28. Review status: criteria provided, single submitter. Criteria: ACMG Guidelines, 2015. Collection method: clinical testing. Allele origin: germline. Inheritance: Autosomal recessive inheritance. Affected: yes. Observed: 1 compound heterozygote.

NM_005560.6(LAMA5):c.7036_7037del (p.Gln2346fs)

Gene: LAMA5 (laminin subunit alpha 5; minus strand). Cytogenetic location: 20q13.33.
Variant type: Microsatellite.
Coding change: c.7036_7037del on transcript NM_005560.6 (MANE Select); coding-DNA positions 7036 to 7037, 2 bases deleted (CA; older notation c.7036_7037delCA).
Protein change: p.Gln2346fs; shifts the reading frame from glutamine 2346.
Molecular consequence: frameshift variant.
Genome position (GRCh38, 1-based): chr20:62,318,848-62,318,849, TG deleted on the plus strand (CA on the coding strand, the reverse complement: LAMA5 is on the minus strand); deleting any 2 consecutive bases within chr20:62,318,848-62,318,851 gives the same sequence; the c. name uses the placement nearest the transcript's 3' end. VCF-style (leftmost placement, unchanged base first): chr20-62318847-CTG-C. GRCh37 (hg19) VCF-style: chr20-60893903-CTG-C.
Other names: c.7036_7037delCA (NM_005560.6); short protein forms Q2346fs.
Identifiers: ClinVar variation 2446390 (VCV002446390.2), dbSNP rs2515979618, ClinGen allele CA2580616355.